The following continues an entry in ClinVar:

NM_001267550.2(TTN):c.1137A>G (p.Arg379=)

Gene: TTN. ClinVar aggregate classification (germline): Conflicting classifications of pathogenicity. Uncertain significance (1); Benign (15); Likely benign (3).

Submissions 16 to 25 of 25:

GeneDx
Classification: Benign. Last evaluated: 2016-02-08. Review status: criteria provided, single submitter. Criteria: GeneDx Variant Classification (06012015). Collection method: clinical testing. Allele origin: germline. Affected: yes.
Comment: This variant is considered likely benign or benign based on one or more of the following criteria: it is a conservative change, it occurs at a poorly conserved position in the protein, it is predicted to be benign by multiple in silico algorithms, and/or has population frequency not consistent with disease.

Eurofins Ntd Llc (ga)
Classification: Benign. Last evaluated: 2015-09-01. Review status: criteria provided, single submitter. Criteria: EGL Classification Definitions 2015. Collection method: clinical testing. Allele origin: germline. Observed: 1 variant allele, 1 heterozygote.

Ambry Genetics
Classification: Uncertain significance for Cardiovascular phenotype. Last evaluated: 2012-12-28. Review status: criteria provided, single submitter. Criteria: Ambry Autosomal Dominant and X-Linked criteria (10/2015). Collection method: clinical testing. Allele origin: germline. Observed: 1 variant allele.
Comment: There is insufficient or conflicting evidence for classification of this alteration.

Laboratory for Molecular Medicine, Mass General Brigham Personalized Medicine
Classification: Benign. Last evaluated: 2012-04-19. Review status: criteria provided, single submitter. Criteria: LMM Criteria. Collection method: clinical testing. Allele origin: germline. Observed: 16 variant alleles.
Comment: Arg379Arg in exon 7 of TTN: This variant is not expected to have clinical signif icance because it does not alter an amino acid residue and is not located within the splice consensus sequence. This variant has been identified in 0.3% (18/702 0) of European American chromosomes from a broad population by the NHLBI Exome S equencing Project (dbSNP rs55972547). Arg379A rg in exon 7 of TTN (allele frequency = 0.3%, 18/7020: dbSNP rs55972547) **

Clinical Genetics DNA and cytogenetics Diagnostics Lab, Erasmus MC, Erasmus Medical Center
Classification: Likely benign. Review status: no assertion criteria provided. Collection method: clinical testing. Allele origin: germline. Affected: yes. Study: VKGL Data-share Consensus. Not counted in ClinVar's aggregate classification.

Clinical Genetics, Academic Medical Center
Classification: Benign. Review status: no assertion criteria provided. Collection method: clinical testing. Allele origin: germline. Affected: yes. Study: VKGL Data-share Consensus. Not counted in ClinVar's aggregate classification.

Diagnostic Laboratory, Department of Genetics, University Medical Center Groningen
Classification: Likely benign. Review status: no assertion criteria provided. Collection method: clinical testing. Allele origin: germline. Affected: yes. Study: VKGL Data-share Consensus. Not counted in ClinVar's aggregate classification.

Joint Genome Diagnostic Labs from Nijmegen and Maastricht, Radboudumc and MUMC+
Classification: Benign. Review status: no assertion criteria provided. Collection method: clinical testing. Allele origin: germline. Affected: yes. Study: VKGL Data-share Consensus. Not counted in ClinVar's aggregate classification.

Laboratory of Diagnostic Genome Analysis, Leiden University Medical Center (LUMC)
Classification: Likely benign. Review status: no assertion criteria provided. Collection method: clinical testing. Allele origin: germline. Affected: yes. Study: VKGL Data-share Consensus. Not counted in ClinVar's aggregate classification.

Practice for Gait Abnormalities, David Pomarino, Competency Network Toe Walking C/o Practice Pomarino
Classification: Likely pathogenic for Tip-toe gait. Review status: no assertion criteria provided. Collection method: clinical testing. Allele origin: germline. Affected: yes. Not counted in ClinVar's aggregate classification.
Comment: Myopathy refers to diseases that affect skeletal Muscles. These diseases attack muscle fibers, making muscles weak. Inherited myopathies are often caused by inheriting an abnormal gene mutation from a parent that causes the disease. Symptoms of congenital myopathies usually start at birth or in early childhood, but may not appear until the teen years or even later in adulthood. Congenital myopathies are somewhat unique compared with other inherited myopathies, as weakness typically affects all muscles and is often not progressive. Symptoms are: Muscle weakness, most commonly of upper arms and shoulders and thighs, muscle cramps, stiffness and spasms, fatigue with exertion and lack of energy. Our patients all walk on tiptoe, so they show similar symptoms. When we genetically test them with our toe walking panel, we find that around 90 per cent of them have a genetic variant that explains their toe walking. These can be assigned, for example, to the area of myopathies (such as variants of the COL6A3 gene), the area of hereditary neuropathies (such as variants of the KMT2C gene) or the area of metabolic diseases (such as variants of the PYGM gene). In a smaller group of patients with almost identical symptoms, no abnormality is found in the genes of our panel, but spastic paraplegia can be detected. In another small group of our toe walkers, no abnormalities can be detected in the genes analysed in our toe walking panel, nor do they suffer from spastic paraplegia, as is also the case with healthy children. In contrast to these, however, they show a tiptoe gait. These patients suffer from infantile cerebral palsy, in which toe walking can also be observed.

Literature cited by the submitters: PubMed 37091313 (cited by Athena Diagnostics and Practice for Gait Abnormalities, David Pomarino, Competency Network Toe Walking C/o Practice Pomarino).